The following is an entry in ClinVar:

NM_001040142.2(SCN2A):c.5042A>G (p.Asn1681Ser)

Gene: SCN2A (sodium voltage-gated channel alpha subunit 2; plus strand). Cytogenetic location: 2q24.3.
Variant type: single nucleotide variant.
Coding change: c.5042A>G on transcript NM_001040142.2 (MANE Select); coding-DNA position 5042, A replaced by G.
Protein change: p.Asn1681Ser; replaces asparagine 1681 with serine.
Molecular consequence: missense variant.
Genome position (GRCh38, 1-based): chr2:165,388,848, A>G. VCF-style: chr2-165388848-A-G. GRCh37 (hg19) VCF-style: chr2-166245358-A-G.
Other names: c.5042A>G, p.Asn1681Ser (NM_001040143.2, NM_001371246.1, NM_001371247.1 and 1 more transcripts); short protein forms N1681S.
Identifiers: ClinVar variation 2039393 (VCV002039393.4), dbSNP rs1574751977, ClinGen allele CA349038060.
Genomic context (GRCh38, chr2:165,388,848, plus strand): 5'-TTAACATCGGCCTCCTTCTTTTCCTGGTCATGTTCATCTACGCCATCTTTGGGATGTCCA[A>G]TTTTGCCTATGTTAAGAGGGAAGTTGGGATCGATGACATGTTCAACTTTGAGACCTTTGG-3'
Protein context (NP_001035232.1, residues 1671-1691): MFIYAIFGMS[Asn1681Ser]FAYVKREVGI

ClinVar aggregate classification (germline): Uncertain significance (1 of 4 stars; one submission).

Conditions:
Seizures, benign familial infantile, 3 (BFIS3). Also called: CONVULSIONS, BENIGN FAMILIAL INFANTILE, 3; Familial neonatal seizures. Identifiers: Orphanet 140927, Orphanet 306, MedGen C1843140, MONDO:0011904, OMIM 607745.
Developmental and epileptic encephalopathy, 11 (DEE11). Also called: Early infantile epileptic encephalopathy 11. Identifiers: Orphanet 1934, MedGen C3150987, MONDO:0013388, OMIM 613721.

Allele frequency attached by ClinVar (database versions not stated): gnomAD exomes below 0.00001.
gnomAD v4.1: 1 of 1,613,970 alleles (0.000062%); highest among the groups gnomAD compares: Non-Finnish European, 0.000085%; no homozygotes.

Submission:

Labcorp Genetics (formerly Invitae), Labcorp
Classification: Uncertain significance for Seizures, benign familial infantile, 3; Developmental and epileptic encephalopathy, 11. Last evaluated: 2022-10-08. Review status: criteria provided, single submitter. Criteria: Invitae Variant Classification Sherloc (09022015). Collection method: clinical testing. Allele origin: germline.
Comment: This variant is not present in population databases (gnomAD no frequency). In summary, the available evidence is currently insufficient to determine the role of this variant in disease. Therefore, it has been classified as a Variant of Uncertain Significance. Advanced modeling of protein sequence and biophysical properties (such as structural, functional, and spatial information, amino acid conservation, physicochemical variation, residue mobility, and thermodynamic stability) has been performed at Invitae for this missense variant, however the output from this modeling did not meet the statistical confidence thresholds required to predict the impact of this variant on SCN2A protein function. This variant has not been reported in the literature in individuals affected with SCN2A-related conditions. This sequence change replaces asparagine, which is neutral and polar, with serine, which is neutral and polar, at codon 1681 of the SCN2A protein (p.Asn1681Ser).